The following is an entry in ClinVar:

ClinVar aggregate classification (germline): Benign (3 of 4 stars; one submission).

Conditions:
Breast-ovarian cancer, familial, susceptibility to, 1 (BROVCA1). Also called: BRCA1 Hereditary Breast and Ovarian Cancer; OVARIAN CANCER, SUSCEPTIBILITY TO. Identifiers: Orphanet 145, MedGen C2676676, MONDO:0011450, OMIM 604370. Disease mechanism: loss of function.

Submission:

Evidence-based Network for the Interpretation of Germline Mutant Alleles (ENIGMA)
Classification: Benign for Breast-ovarian cancer, familial, susceptibility to, 1. Last evaluated: 2016-09-28. Review status: reviewed by expert panel. Criteria: ENIGMA BRCA1/2 Classification Criteria (2015). Collection method: curation. Allele origin: germline.
Comment: Class 1 not pathogenic based on frequency >1% in an outbred sampleset. Frequency 0.025 (African), derived from 1000 genomes (2013-05-02).

NM_007294.4(BRCA1):c.4485-413_4485-400del

Gene: BRCA1 (BRCA1 DNA repair associated; minus strand). Cytogenetic location: 17q21.31.
Variant type: Microsatellite.
Coding change: c.4485-413_4485-400del on transcript NM_007294.4 (MANE Select); 413 bases into the intron before coding-DNA position 4485 through 400 bases into the intron before coding-DNA position 4485, 14 bases deleted (CTTTCCTTTCTTTC).
Molecular consequence: intron variant.
Genome position (GRCh38, 1-based): chr17:43,074,921-43,074,934, GAAAGAAAGGAAAG deleted on the plus strand (CTTTCCTTTCTTTC on the coding strand, the reverse complement: BRCA1 is on the minus strand); deleting any 14 consecutive bases within chr17:43,074,921-43,074,948 gives the same sequence; the c. name uses the placement nearest the transcript's 3' end. VCF-style (leftmost placement, unchanged base first): chr17-43074920-AGAAAGAAAGGAAAG-A. GRCh37 (hg19) VCF-style: chr17-41226937-AGAAAGAAAGGAAAG-A.
Other names: c.4221-413_4221-400del (NM_001407921.1, NM_001407926.1, NM_001407924.1 and 4 more transcripts); c.1032-413_1032-400del (NM_001408466.1, NM_001408460.1, NM_001408465.1 and 7 more transcripts); c.1035-413_1035-400del (NM_001408452.1, NM_001408457.1, NM_001408454.1 and 3 more transcripts); c.4338-413_4338-400del (NM_001407850.1, NM_001407844.1, NM_001407851.1 and 12 more transcripts); c.4341-413_4341-400del (NM_001407752.1, NM_001407944.1, NM_001407734.1 and 21 more transcripts); c.4344-413_4344-400del (NM_001407730.1, NM_001407692.1, NM_001407729.1 and 13 more transcripts); c.4215-413_4215-400del (NM_001407934.1, NM_001407935.1, NM_001407936.1); c.912-413_912-400del (NM_001408497.1, NM_001408496.1, NM_001408499.1 and 3 more transcripts); and 71 more.
Identifiers: ClinVar variation 264821 (VCV000264821.2), dbSNP rs566416929, ClinGen allele CA10588209.